The following is an entry in ClinVar:

NM_001374353.1(GLI2):c.499C>T (p.Pro167Ser)

Gene: GLI2 (GLI family zinc finger 2; plus strand). Cytogenetic location: 2q14.2.
Variant type: single nucleotide variant.
Coding change: c.499C>T on transcript NM_001374353.1 (MANE Select); coding-DNA position 499, C replaced by T.
Protein change: p.Pro167Ser; replaces proline 167 with serine.
Molecular consequence: missense variant.
Genome position (GRCh38, 1-based): chr2:120,955,286, C>T. VCF-style: chr2-120955286-C-T. GRCh37 (hg19) VCF-style: chr2-121712862-C-T.
Other names: c.499C>T, p.Pro167Ser (NM_001371271.1, NM_005270.5); c.124C>T, p.Pro42Ser (NM_001374354.1); short protein forms P167S, P42S.
Identifiers: ClinVar variation 4620861 (VCV004620861.4).

ClinVar aggregate classification (germline): Uncertain significance. Review status: criteria provided, multiple submitters, no conflicts (2 of 4 stars). 3 submissions from 3 submitters: Uncertain significance (3). Last evaluated 2025-11-19.

Conditions:
Holoprosencephaly 9 (HPE9). Also called: PITUITARY ANOMALIES WITH HOLOPROSENCEPHALY-LIKE FEATURES; HOLOPROSENCEPHALY WITH MICROPHTHALMIA AND FIRST BRANCHIAL ARCH ANOMALIES. Identifiers: Orphanet 2162, MedGen C1835819, MONDO:0012563, OMIM 610829.
Postaxial polydactyly-anterior pituitary anomalies-facial dysmorphism syndrome. Also called: Culler-Jones syndrome. Identifiers: Orphanet 420584, MedGen C4014479, MONDO:0014369, OMIM 615849.
Inborn genetic diseases. Identifiers: MedGen C0950123, MeSH D030342.

gnomAD v4.1: 8 of 1,610,374 alleles (0.0005%); highest among the groups gnomAD compares: Admixed American, 0.0034%; no homozygotes.

Submissions (3):

Dasa
Classification: Uncertain significance. Last evaluated: 2025-11-19. Review status: criteria provided, single submitter. Criteria: DASA Assertion Criteria. Collection method: clinical testing. Allele origin: germline.
Comment: NM_001374353.1(GLI2):c.499C>T (p.Pro167Ser) is a missense variant that results in the substitution of proline with serine. This variant is rare in population databases. Computational prediction algorithms are consistent with a benign effect. The currently available literature and clinical evidence are not sufficient to establish a definitive association between this variant and the reported condition. Therefore, this variant is classified as a variant of uncertain significance.

Ambry Genetics
Classification: Uncertain significance for Inborn genetic diseases. Last evaluated: 2025-11-13. Review status: criteria provided, single submitter. Criteria: Ambry Variant Classification Scheme 2023. Collection method: clinical testing. Allele origin: germline.

Labcorp Genetics (formerly Invitae), Labcorp
Classification: Uncertain significance for Postaxial polydactyly-anterior pituitary anomalies-facial dysmorphism syndrome; Holoprosencephaly 9. Last evaluated: 2025-04-10. Review status: criteria provided, single submitter. Criteria: Invitae Variant Classification Sherloc (09022015). Collection method: clinical testing. Allele origin: germline.
Comment: This sequence change replaces proline, which is neutral and non-polar, with serine, which is neutral and polar, at codon 167 of the GLI2 protein (p.Pro167Ser). This variant is not present in population databases (gnomAD no frequency). This variant has not been reported in the literature in individuals affected with GLI2-related conditions. An algorithm developed to predict the effect of missense changes on protein structure and function (PolyPhen-2) suggests that this variant is likely to be tolerated. In summary, the available evidence is currently insufficient to determine the role of this variant in disease. Therefore, it has been classified as a Variant of Uncertain Significance.